The following is an entry in ClinVar:

ClinVar aggregate classification (germline): Pathogenic (1 of 4 stars; one submission).

Conditions:
GNPTAB-mucolipidosis. Also called: UDP-N-acetylglucosamine-1-phosphotransferase subunit alpha/beta deficiency. Identifiers: MedGen CN322573, MONDO:0100122.

Submission:

Myriad Genetics, Inc.
Classification: Pathogenic for GNPTAB-mucolipidosis. Last evaluated: 2023-10-10. Review status: criteria provided, single submitter. Criteria: Myriad Autosomal Dominant, Autosomal Recessive and X-Linked Classification Criteria (2023). Collection method: clinical testing. Allele origin: unknown.
Comment: NM_024312.4(GNPTAB):c.1634_1635ins8(V546Rfs*3) is expected to be pathogenic in the context of GNPTAB-related disorders. This variant is predicted to lead to an abnormal or absent protein product due to the creation of a premature termination codon in GNPTAB, a gene where loss-of-function variants are known to be pathogenic. Please note: this variant was assessed in the context of healthy population screening.

NM_024312.5(GNPTAB):c.1634_1635insGAGACAGT (p.Val546fs)

Gene: GNPTAB (N-acetylglucosamine-1-phosphate transferase subunits alpha and beta; minus strand). Cytogenetic location: 12q23.2.
Variant type: Insertion.
Coding change: c.1634_1635insGAGACAGT on transcript NM_024312.5 (MANE Select); coding-DNA positions 1634 to 1635, GAGACAGT inserted.
Protein change: p.Val546fs; shifts the reading frame from valine 546.
Molecular consequence: frameshift variant.
Genome position: GRCh38 VCF-style: chr12-101765282-T-TACTGTCTC. GRCh37 (hg19) VCF-style: chr12-102159060-T-TACTGTCTC.
Other names: short protein forms V546fs.
Identifiers: ClinVar variation 5012373 (VCV005012373.1).